The following is an entry in ClinVar:

ClinVar aggregate classification (germline): Pathogenic (1 of 4 stars; one submission).

Submission:

Labcorp Genetics (formerly Invitae), Labcorp
Classification: Pathogenic. Last evaluated: 2019-09-04. Review status: criteria provided, single submitter. Criteria: Invitae Variant Classification Sherloc (09022015). Collection method: clinical testing. Allele origin: germline.
Comment: This variant is an in-frame deletion of the genomic region encompassing exon 9 of the IMPG2 gene. It preserves the integrity of the reading frame. A similar variant has been observed to segregate with autosomal recessive retinitis pigmentosa in a family (PMID: 20673862, 24876279). For these reasons, this variant has been classified as Pathogenic.

Literature cited by the submitters: PubMed 24876279; PubMed 20673862.

NC_000003.12:g.(?_101267511)_(101267531_?)del

Gene: IMPG2 (interphotoreceptor matrix proteoglycan 2; minus strand). Cytogenetic location: 3q12.3.
Variant type: Deletion.
Identifiers: ClinVar variation 832085 (VCV000832085.1).